The following is an entry in ClinVar:

ClinVar aggregate classification (germline): Uncertain significance (1 of 4 stars; one submission).

Conditions:
Combined oxidative phosphorylation defect type 17. Also called: Combined oxidative phosphorylation deficiency 17. Identifiers: Orphanet 369913, MedGen C3809526, MONDO:0014190, OMIM 615440.

Submission:

Labcorp Genetics (formerly Invitae), Labcorp
Classification: Uncertain significance for Combined oxidative phosphorylation defect type 17. Last evaluated: 2021-12-03. Review status: criteria provided, single submitter. Criteria: Invitae Variant Classification Sherloc (09022015). Collection method: clinical testing. Allele origin: germline.
Comment: This sequence change falls in intron 23 of the ELAC2 gene. It does not directly change the encoded amino acid sequence of the ELAC2 protein. It affects a nucleotide within the consensus splice site. This variant is not present in population databases (gnomAD no frequency). In summary, the available evidence is currently insufficient to determine the role of this variant in disease. Therefore, it has been classified as a Variant of Uncertain Significance. Variants that disrupt the consensus splice site are a relatively common cause of aberrant splicing (PMID: 17576681, 9536098). Algorithms developed to predict the effect of sequence changes on RNA splicing suggest that this variant may disrupt the consensus splice site. This variant has not been reported in the literature in individuals affected with ELAC2-related conditions.

Literature cited by the submitters: PubMed 17576681; PubMed 9536098.

NM_018127.7(ELAC2):c.2253+6_2253+321del

Gene: ELAC2 (elaC ribonuclease Z 2; minus strand). Cytogenetic location: 17p12.
Variant type: Deletion.
Coding change: c.2253+6_2253+321del on transcript NM_018127.7 (MANE Select); bases 6 to 321 of the intron after coding-DNA position 2253, 316 bases deleted.
Molecular consequence: intron variant.
Genome position (GRCh38, 1-based): chr17:12,993,366-12,993,681, 316 bases deleted. GRCh37 (hg19): chr17:12,896,684-12,896,999.
Other names: c.2133+6_2133+321del (NM_001165962.2); c.2250+6_2250+321del (NM_173717.2).
Identifiers: ClinVar variation 1492198 (VCV001492198.5), dbSNP rs2143544217, ClinGen allele CA2573153044.